The following is an entry in ClinVar:

ClinVar aggregate classification (germline): Uncertain significance (1 of 4 stars; one submission).

Conditions:
Charcot-Marie-Tooth disease axonal type 2C (HMSN2C). Also called: CHARCOT-MARIE-TOOTH DISEASE, AXONAL, AUTOSOMAL DOMINANT, TYPE 2C; Charcot-Marie-Tooth Neuropathy Type 2C; Charcot-Marie-Tooth Disease Type 2, TRPV4-Related (CMT2C). Identifiers: Orphanet 99937, MedGen C1853710, MONDO:0011633, OMIM 606071.

Allele frequency attached by ClinVar (database versions not stated): gnomAD exomes 0.00001.
gnomAD v4.1: 3 of 1,614,160 alleles (0.00019%); highest among the groups gnomAD compares: Admixed American, 0.005%; no homozygotes.

Submission:

Labcorp Genetics (formerly Invitae), Labcorp
Classification: Uncertain significance for Charcot-Marie-Tooth disease axonal type 2C. Last evaluated: 2025-09-06. Review status: criteria provided, single submitter. Criteria: Invitae Variant Classification Sherloc (09022015). Collection method: clinical testing. Allele origin: germline.
Comment: This sequence change replaces threonine, which is neutral and polar, with alanine, which is neutral and non-polar, at codon 665 of the TRPV4 protein (p.Thr665Ala). This variant is not present in population databases (gnomAD no frequency). This variant has not been reported in the literature in individuals affected with TRPV4-related conditions. ClinVar contains an entry for this variant (Variation ID: 2170328). Invitae Evidence Modeling of protein sequence and biophysical properties (such as structural, functional, and spatial information, amino acid conservation, physicochemical variation, residue mobility, and thermodynamic stability) has been performed for this missense variant. However, the output from this modeling did not meet the statistical confidence thresholds required to predict the impact of this variant on TRPV4 protein function. In summary, the available evidence is currently insufficient to determine the role of this variant in disease. Therefore, it has been classified as a Variant of Uncertain Significance.

NM_021625.5(TRPV4):c.1993A>G (p.Thr665Ala)

Gene: TRPV4 (transient receptor potential cation channel subfamily V member 4; minus strand). Cytogenetic location: 12q24.11.
Variant type: single nucleotide variant.
Coding change: c.1993A>G on transcript NM_021625.5 (MANE Select); coding-DNA position 1993, A replaced by G.
Protein change: p.Thr665Ala; replaces threonine 665 with alanine.
Molecular consequence: missense variant.
Genome position (GRCh38, 1-based): chr12:109,788,615, T>C on the plus strand (A>G on the coding strand, the complement: TRPV4 is on the minus strand). VCF-style: chr12-109788615-T-C. GRCh37 (hg19) VCF-style: chr12-110226420-T-C.
Other names: c.1672A>G, p.Thr558Ala (NM_001177433.2); c.1813A>G, p.Thr605Ala (NM_147204.3); c.1852A>G, p.Thr618Ala (NM_001177428.2); c.1891A>G, p.Thr631Ala (NM_001177431.2); short protein forms T558A, T631A, T665A, T605A, T618A.
Identifiers: ClinVar variation 2170328 (VCV002170328.4), dbSNP rs2548718217, ClinGen allele CA386650799.